The following is an entry in ClinVar:

ClinVar aggregate classification (germline): Uncertain significance (1 of 4 stars; one submission).

Conditions:
Familial thoracic aortic aneurysm and aortic dissection (TAAD). Also called: Thoracic aortic aneurysms and dissections. Identifiers: Orphanet 91387, MedGen C4707243, MONDO:0019625.

Submission:

Color Diagnostics, LLC DBA Color Health
Classification: Uncertain significance for Familial thoracic aortic aneurysm and aortic dissection. Last evaluated: 2024-06-03. Review status: criteria provided, single submitter. Criteria: ACMG Guidelines, 2015. Collection method: clinical testing. Allele origin: germline.
Comment: This missense variant replaces glutamine with arginine at codon 137 of the FBN1 protein. Computational prediction is inconclusive regarding the impact of this variant on protein structure and function (internally defined REVEL score threshold 0.5 < inconclusive < 0.7, PMID: 27666373). To our knowledge, functional studies have not been reported for this variant. This variant has not been reported in individuals affected with FBN1-related disorders in the literature. This variant has not been identified in the general population by the Genome Aggregation Database (gnomAD). The available evidence is insufficient to determine the role of this variant in disease conclusively. Therefore, this variant is classified as a Variant of Uncertain Significance.

NM_000138.5(FBN1):c.410A>G (p.Gln137Arg)

Gene: FBN1 (fibrillin 1; minus strand). Cytogenetic location: 15q21.1.
Variant type: single nucleotide variant.
Coding change: c.410A>G on transcript NM_000138.5 (MANE Select); coding-DNA position 410, A replaced by G.
Protein change: p.Gln137Arg; replaces glutamine 137 with arginine.
Molecular consequence: missense variant.
Genome position (GRCh38, 1-based): chr15:48,600,171, T>C on the plus strand (A>G on the coding strand, the complement: FBN1 is on the minus strand). VCF-style: chr15-48600171-T-C. GRCh37 (hg19) VCF-style: chr15-48892368-T-C.
Other names: c.410A>G, p.Gln137Arg (NM_001406716.1, NM_001406717.1); short protein forms Q137R.
Identifiers: ClinVar variation 3893828 (VCV003893828.1).